The following is an entry in ClinVar:

ClinVar aggregate classification (germline): Uncertain significance (1 of 4 stars; one submission).

Conditions:
Early Myoclonic Encephalopathy. Identifiers: MedGen C0270855.

Allele frequency attached by ClinVar (database versions not stated): gnomAD exomes below 0.00001.
gnomAD v4.1: 1 of 1,614,094 alleles (0.000062%); highest among the groups gnomAD compares: Admixed American, 0.0017%; no homozygotes.

Submission:

Labcorp Genetics (formerly Invitae), Labcorp
Classification: Uncertain significance for Early Myoclonic Encephalopathy. Last evaluated: 2023-01-28. Review status: criteria provided, single submitter. Criteria: Invitae Variant Classification Sherloc (09022015). Collection method: clinical testing. Allele origin: germline.
Comment: This sequence change replaces glutamic acid, which is acidic and polar, with glycine, which is neutral and non-polar, at codon 1028 of the JMJD1C protein (p.Glu1028Gly). This variant is not present in population databases (gnomAD no frequency). This variant has not been reported in the literature in individuals affected with JMJD1C-related conditions. ClinVar contains an entry for this variant (Variation ID: 969209). Advanced modeling of protein sequence and biophysical properties (such as structural, functional, and spatial information, amino acid conservation, physicochemical variation, residue mobility, and thermodynamic stability) performed at Invitae indicates that this missense variant is expected to disrupt JMJD1C protein function. In summary, the available evidence is currently insufficient to determine the role of this variant in disease. Therefore, it has been classified as a Variant of Uncertain Significance.

NM_032776.3(JMJD1C):c.3083A>G (p.Glu1028Gly)

Gene: JMJD1C (jumonji domain containing 1C; minus strand). Cytogenetic location: 10q21.3.
Variant type: single nucleotide variant.
Coding change: c.3083A>G on transcript NM_032776.3 (MANE Select); coding-DNA position 3083, A replaced by G.
Protein change: p.Glu1028Gly; replaces glutamic acid 1028 with glycine.
Molecular consequence: missense variant. On other transcripts: non-coding transcript variant (1).
Genome position (GRCh38, 1-based): chr10:63,208,586, T>C on the plus strand (A>G on the coding strand, the complement: JMJD1C is on the minus strand). VCF-style: chr10-63208586-T-C. GRCh37 (hg19) VCF-style: chr10-64968346-T-C.
Other names: c.2537A>G, p.Glu846Gly (NM_001282948.2, NM_001318154.2); c.2219A>G, p.Glu740Gly (NM_001318153.2); c.2969A>G, p.Glu990Gly (NM_001322252.2); c.2426A>G, p.Glu809Gly (NM_001322254.2, NM_001322258.2); short protein forms E809G, E1028G, E740G, E990G, E846G.
Identifiers: ClinVar variation 969209 (VCV000969209.9), dbSNP rs1846945556, ClinGen allele CA377042879.